The following is an entry in ClinVar:

ClinVar aggregate classification (germline): Uncertain significance (1 of 4 stars; one submission).

Conditions:
Cyclical neutropenia. Also called: Cyclic Neutropenia; Cyclic hematopoiesis. Identifiers: Orphanet 2686, MedGen C0221023, MONDO:0008090, OMIM 162800, HP:0040289. Disease mechanism: loss of function.
Neutropenia, severe congenital, 1, autosomal dominant. Identifiers: MedGen C1859966, MONDO:0042490, OMIM 202700.

Allele frequency attached by ClinVar (database versions not stated): gnomAD exomes 0.00003; gnomAD 0.00001.
gnomAD v4.1: 46 of 1,610,802 alleles (0.0029%); highest among the groups gnomAD compares: Non-Finnish European, 0.0037%; no homozygotes.

Submission:

Labcorp Genetics (formerly Invitae), Labcorp
Classification: Uncertain significance for Neutropenia, severe congenital, 1, autosomal dominant; Cyclical neutropenia. Last evaluated: 2019-10-21. Review status: criteria provided, single submitter. Criteria: Invitae Variant Classification Sherloc (09022015). Collection method: clinical testing. Allele origin: germline.
Comment: In summary, the available evidence is currently insufficient to determine the role of this variant in disease. Therefore, it has been classified as a Variant of Uncertain Significance. The current clinical and genetic evidence is not sufficient to establish whether loss-of-function variants in ELANE cause disease. This variant has not been reported in the literature in individuals with ELANE-related disease. This variant is not present in population databases (ExAC no frequency). This sequence change affects a donor splice site in intron 1 of the ELANE gene. It is expected to disrupt RNA splicing and likely results in an absent or disrupted protein product.

NM_001972.4(ELANE):c.67+1G>T

Gene: ELANE (elastase, neutrophil expressed; plus strand). Cytogenetic location: 19p13.3.
Variant type: single nucleotide variant.
Coding change: c.67+1G>T on transcript NM_001972.4 (MANE Select); the canonical splice donor site of the intron after coding-DNA position 67, G replaced by T.
Molecular consequence: splice donor variant.
Genome position (GRCh38, 1-based): chr19:852,396, G>T. VCF-style: chr19-852396-G-T. GRCh37 (hg19) VCF-style: chr19-852396-G-T.
Identifiers: ClinVar variation 639706 (VCV000639706.11), dbSNP rs1599290074, ClinGen allele CA402914271.